The following is an entry in ClinVar:

NM_000135.4(FANCA):c.2984C>G (p.Ser995Ter)

Gene: FANCA (FA complementation group A; minus strand). Cytogenetic location: 16q24.3.
Variant type: single nucleotide variant.
Coding change: c.2984C>G on transcript NM_000135.4 (MANE Select); coding-DNA position 2984, C replaced by G.
Protein change: p.Ser995Ter; replaces serine 995 with a stop codon.
Molecular consequence: nonsense.
Genome position (GRCh38, 1-based): chr16:89,752,220, G>C on the plus strand (C>G on the coding strand, the complement: FANCA is on the minus strand). VCF-style: chr16-89752220-G-C. GRCh37 (hg19) VCF-style: chr16-89818628-G-C.
Other names: c.2984C>G (NM_000135.3); c.2984C>G, p.Ser995Ter (NM_001286167.3); short protein forms S995*.
Identifiers: ClinVar variation 2675429 (VCV002675429.2), dbSNP rs746997654, ClinGen allele CA397427538.
Genomic context (GRCh38, chr16:89,752,220, plus strand): 5'-TCATTTCCTGTGCGGCCACCAAAGACCAAATCAGAATTTTCTGAGTGGTCATAACTCCTT[G>C]AGCTGAAATGAAAATACAATAAAATCCTCCTCAGTATCGCCTAATAGTGCTGAAGTTCCC-3'

ClinVar aggregate classification (germline): Likely pathogenic. Review status: criteria provided, multiple submitters, no conflicts (2 of 4 stars). 2 submissions from 2 submitters: Likely pathogenic (2). Last evaluated 2024-06-10.

Conditions:
Fanconi anemia (FA). Also called: Fanconi's anemia. Identifiers: Orphanet 84, MedGen C0015625, MeSH D005199, MONDO:0019391.
Fanconi anemia complementation group A (FANCA). Also called: FANCA-Related Fanconi Anemia; Fanconi anemia, group A. Identifiers: Orphanet 84, MedGen C3469521, MONDO:0009215, OMIM 227650.

Submissions (2):

Natera, Inc.
Classification: Likely pathogenic for Fanconi anemia. Last evaluated: 2024-06-10. Review status: criteria provided, single submitter. Criteria: Natera Variant Classification Schema (03/2026). Collection method: clinical testing. Allele origin: germline.
Comment: The c.2984C>G variant in FANCA is a nonsense variant predicted to introduce a stop codon at amino acid 995. This variant is expected to result in nonsense mediated decay, truncation, or a dysfunctional protein product. This variant is rare in the general population with a frequency below the threshold expected for the associated phenotype(s). Given the available evidence, this variant is classified as Likely Pathogenic.

Baylor Genetics
Classification: Likely pathogenic for Fanconi anemia complementation group A. Last evaluated: 2023-06-22. Review status: criteria provided, single submitter. Criteria: ACMG Guidelines, 2015. Collection method: clinical testing. Allele origin: unknown.